The following is an entry in ClinVar:

ClinVar aggregate classification (germline): Likely pathogenic. Review status: reviewed by expert panel (3 of 4 stars). 6 submissions from 6 submitters: Likely pathogenic (1). 5 of the submissions do not count toward it. Last evaluated 2024-12-03.

Conditions:
PPP1CB-related disorder. Also called: PPP1CB-related condition.
Noonan syndrome-like disorder with loose anagen hair 2 (NSLH2). Identifiers: MedGen C4479577, MONDO:0054588, OMIM 617506.
RASopathy. Also called: rasopathies; Noonan spectrum disorder. Identifiers: Orphanet 536391, MedGen C5555857, MONDO:0021060.

Submissions (6):

ClinGen RASopathy Variant Curation Expert Panel
Classification: Likely pathogenic for RASopathy. Last evaluated: 2024-12-03. Review status: reviewed by expert panel. Criteria: ClinGen RASopathy ACMG Specifications PPP1CB V1.3.0. Collection method: curation. Allele origin: germline. Inheritance: Autosomal dominant inheritance.
Comment: The c.820G>A (p.Glu274Lys) variant in PP1CB is a missense variant predicted to cause substitution of glutamate by lysine at amino acid 274. This variant is absent from gnomAD v2 (PM2_Supporting). PPP1CB, in which the variant was identified, is defined by the ClinGen RASopathy VCEP as a gene that has a low rate of benign missense variation and where pathogenic missense variants are a common mechanism of disease. The missense Z-score is 4.33 which is above the threshold set by the Rasopathy VCEP (PP2). This variant was observed in 2 probands with phenotypes consistent with RASopathy (PS4_Supporting; PMID:27681385, GeneDx). This variant has also been identified as a de novo occurrence with confirmed parental relationships in 1 individual with features of RASopathy (PS2; PMID:27681385). In summary, this variant currently meets the criteria to be classified as likely pathogenic for autosomal dominant RASopathy based on the ACMG/AMP criteria applied, as specified by the ClinGen RASopathy VCEP: PS2, PP2, PS4_Supporting, PM2_Supporting. (RASopathy VCEP specifications version 1.3; 12/3/2024)

3billion
Classification: Likely pathogenic for Noonan syndrome-like disorder with loose anagen hair 2. Last evaluated: 2025-07-15. Review status: criteria provided, single submitter. Criteria: ACMG Guidelines, 2015. Collection method: clinical testing. Allele origin: germline. Affected: yes. Not counted in ClinVar's aggregate classification.
Comment: The variant is not observed in the gnomAD v4.1.0 dataset. Predicted Consequence/Location: Missense variant. Missense changes are a common disease-causing mechanism. In silico tool predictions suggest damaging effect of the variant on gene or gene product [3Cnet: 0.78 (> 0.75, sensitivity 0.96 and precision 0.92)]. The same nucleotide change resulting in the same amino acid change has been previously reported as pathogenic/likely pathogenic with strong evidence (ClinVar ID: VCV000254653 /PMID: 27681385). Therefore, this variant is classified as Likely pathogenic according to the recommendation of ACMG/AMP guideline.

Center of Human Genetics, Hôpital Erasme
Classification: Pathogenic for Noonan syndrome-like disorder with loose anagen hair 2. Last evaluated: 2025-01-01. Review status: criteria provided, single submitter. Criteria: ACMG Guidelines, 2015. Collection method: clinical testing. Allele origin: de novo. Affected: yes. Not counted in ClinVar's aggregate classification.

GeneDx
Classification: Likely pathogenic. Last evaluated: 2020-03-07. Review status: criteria provided, single submitter. Criteria: GeneDx Variant Classification Process June 2021. Collection method: clinical testing. Allele origin: germline. Affected: yes. Not counted in ClinVar's aggregate classification.
Comment: De novo variant with confirmed parentage in a patient with features of a PPP1CB-related disorder from the published literature (Ma et al., 2016); Not observed in large population cohorts (Lek et al., 2016); In silico analysis supports that this missense variant has a deleterious effect on protein structure/function; This variant is associated with the following publications: (PMID: 27681385)

PreventionGenetics, part of Exact Sciences
Classification: Uncertain significance for PPP1CB-related condition. Last evaluated: 2024-02-20. Review status: no assertion criteria provided. Collection method: clinical testing. Allele origin: germline. Not counted in ClinVar's aggregate classification.
Comment: The PPP1CB c.820G>A variant is predicted to result in the amino acid substitution p.Glu274Lys. This variant has been reported as de novo in an individual with the clinical features of short stature, developmental delay, congenital heart defects, toe syndactyly, and high-arched palate (Ma et al. 2016. PubMed ID: 27681385). This variant has not been reported in a large population database, indicating this variant is rare. Although we suspect that this variant may be pathogenic, at this time, the clinical significance of this variant is uncertain due to the absence of conclusive functional and genetic evidence.

OMIM
Classification: Pathogenic for NOONAN SYNDROME-LIKE DISORDER WITH LOOSE ANAGEN HAIR 2. Last evaluated: 2017-05-31. Review status: no assertion criteria provided. Collection method: literature only. Allele origin: germline. Not counted in ClinVar's aggregate classification.

Literature cited by the submitters: PubMed 27681385 (cited by 3 submitters).

NM_002709.3(PPP1CB):c.820G>A (p.Glu274Lys)

Gene: PPP1CB (protein phosphatase 1 catalytic subunit beta; plus strand). Cytogenetic location: 2p23.2.
Variant type: single nucleotide variant.
Coding change: c.820G>A on transcript NM_002709.3 (MANE Select); coding-DNA position 820, G replaced by A.
Protein change: p.Glu274Lys; replaces glutamic acid 274 with lysine.
Molecular consequence: missense variant.
Genome position (GRCh38, 1-based): chr2:28,793,938, G>A. VCF-style: chr2-28793938-G-A. GRCh37 (hg19) VCF-style: chr2-29016804-G-A.
Other names: NM_002709.3(PPP1CB):c.820G>A; p.Glu274Lys; c.820G>A, p.Glu274Lys (NM_206876.2); short protein forms E274K.
Identifiers: ClinVar variation 254653 (VCV000254653.7), dbSNP rs886037955, ClinGen allele CA10586686.